The following is an entry in ClinVar:

ClinVar aggregate classification (germline): Benign. Review status: criteria provided, multiple submitters, no conflicts (2 of 4 stars). 4 submissions from 4 submitters: Benign (4). Last evaluated 2025-12-20.

Allele frequency attached by ClinVar (database versions not stated): gnomAD exomes 0.00094 and 0.00278; ExAC 0.00330; 1000 Genomes Project 0.00679; 1000 Genomes Project 30x 0.00750; gnomAD 0.00967 and 0.01052; TOPMed 0.01087; ESP Exome Variant Server 0.01130.
gnomAD v4.1: 2,926 of 1,595,590 alleles (0.18%); highest among the groups gnomAD compares: African/African-American, 3.2%; 54 homozygotes.

Submissions (4):

Labcorp Genetics (formerly Invitae), Labcorp
Classification: Benign. Last evaluated: 2025-12-20. Review status: criteria provided, single submitter. Criteria: Invitae Variant Classification Sherloc (09022015). Collection method: clinical testing. Allele origin: germline.

GeneDx
Classification: Benign. Last evaluated: 2019-10-14. Review status: criteria provided, single submitter. Criteria: GeneDx Variant Classification Process June 2021. Collection method: clinical testing. Allele origin: germline. Affected: yes.

Laboratory for Molecular Medicine, Mass General Brigham Personalized Medicine
Classification: Benign. Last evaluated: 2017-08-23. Review status: criteria provided, single submitter. Criteria: LMM Criteria. Collection method: clinical testing. Allele origin: germline. Observed: 5 variant alleles.
Comment: p.Thr71Thr in exon 5 of EPS8: This variant is not expected to have clinical sign ificance because it does not alter an amino acid residue, is not located within the splice consensus sequence, and has been identified in 3.36% (341/10160) of A frican chromosomes by the Exome Aggregation Consortium (ExAC; dbSNP rs2230644).

Breakthrough Genomics
Classification: Benign. Review status: criteria provided, single submitter. Criteria: ACMG Guidelines, 2015. Collection method: not provided. Allele origin: germline. Inheritance: Autosomal recessive inheritance. Affected: yes.

NM_004447.6(EPS8):c.213T>C (p.Thr71=)

Gene: EPS8 (EGFR pathway substrate 8, signaling adaptor; minus strand). Cytogenetic location: 12p12.3.
Variant type: single nucleotide variant.
Coding change: c.213T>C on transcript NM_004447.6 (MANE Select); coding-DNA position 213, T replaced by C.
Protein change: p.Thr71=; no amino-acid change (threonine 71 retained).
Molecular consequence: synonymous variant.
Genome position (GRCh38, 1-based): chr12:15,669,817, A>G on the plus strand (T>C on the coding strand, the complement: EPS8 is on the minus strand). VCF-style: chr12-15669817-A-G. GRCh37 (hg19) VCF-style: chr12-15822751-A-G.
Identifiers: ClinVar variation 517549 (VCV000517549.17), dbSNP rs2230644, ClinGen allele CA6467927.